The following is an entry in ClinVar:

NM_002497.4(NEK2):c.765+10A>G

Gene: NEK2 (NIMA related kinase 2; minus strand). Cytogenetic location: 1q32.3.
Variant type: single nucleotide variant.
Coding change: c.765+10A>G on transcript NM_002497.4 (MANE Select); 10 bases into the intron after coding-DNA position 765, A replaced by G.
Molecular consequence: intron variant.
Genome position (GRCh38, 1-based): chr1:211,670,271, T>C on the plus strand (A>G on the coding strand, the complement: NEK2 is on the minus strand). VCF-style: chr1-211670271-T-C. GRCh37 (hg19) VCF-style: chr1-211843613-T-C.
Other names: c.765+10A>G (NM_001204182.2, NM_001204183.2).
Identifiers: ClinVar variation 1912717 (VCV001912717.5), dbSNP rs1655329493, ClinGen allele CA2485149331.

ClinVar aggregate classification (germline): Uncertain significance (1 of 4 stars; one submission).

Allele frequency attached by ClinVar (database versions not stated): gnomAD exomes 0.00001.
gnomAD v4.1: 7 of 1,606,830 alleles (0.00044%); highest among the groups gnomAD compares: Non-Finnish European, 0.0006%; no homozygotes.

Submission:

Labcorp Genetics (formerly Invitae), Labcorp
Classification: Uncertain significance. Last evaluated: 2025-07-24. Review status: criteria provided, single submitter. Criteria: Invitae Variant Classification Sherloc (09022015). Collection method: clinical testing. Allele origin: germline.
Comment: This sequence change falls in intron 5 of the NEK2 gene. It does not directly change the encoded amino acid sequence of the NEK2 protein. This variant is not present in population databases (gnomAD no frequency). This variant has not been reported in the literature in individuals affected with NEK2-related conditions. ClinVar contains an entry for this variant (Variation ID: 1912717). Algorithms developed to predict the effect of sequence changes on RNA splicing suggest that this variant may create or strengthen a splice site. In summary, the available evidence is currently insufficient to determine the role of this variant in disease. Therefore, it has been classified as a Variant of Uncertain Significance.